The following is an entry in ClinVar:

NM_144997.7(FLCN):c.869C>T (p.Ala290Val)

Gene: FLCN (folliculin; minus strand). Cytogenetic location: 17p11.2.
Variant type: single nucleotide variant.
Coding change: c.869C>T on transcript NM_144997.7 (MANE Select); coding-DNA position 869, C replaced by T.
Protein change: p.Ala290Val; replaces alanine 290 with valine.
Molecular consequence: missense variant.
Genome position (GRCh38, 1-based): chr17:17,221,539, G>A on the plus strand (C>T on the coding strand, the complement: FLCN is on the minus strand). VCF-style: chr17-17221539-G-A. GRCh37 (hg19) VCF-style: chr17-17124853-G-A.
Other names: c.923C>T, p.Ala308Val (NM_001353229.2); c.869C>T, p.Ala290Val (NM_001353230.2, NM_001353231.2, NM_144606.7); short protein forms A308V, A290V.
Identifiers: ClinVar variation 2599455 (VCV002599455.4), dbSNP rs2047088887, ClinGen allele CA398533612.
Genomic context (GRCh38, chr17:17,221,539, plus strand): 5'-CTGGTACCGCCCCACGGCCATCCGGGCCAAGGCCCCGGCAACAGCACCCCTGCCTCACCA[G>A]CGAGCTTCTCCATCTGGACCAAGGTATCCTCGGTCGGAGCACCTTCCAGGAGCTTCTCGG-3'
Protein context (NP_659434.2, residues 280-300): EDTLVQMEKL[Ala290Val]DLEEESESWD

ClinVar aggregate classification (germline): Uncertain significance. Review status: criteria provided, multiple submitters, no conflicts (2 of 4 stars). 2 submissions from 2 submitters: Uncertain significance (2). Last evaluated 2025-01-08.

Conditions:
Hereditary cancer-predisposing syndrome. Also called: Tumor predisposition; Neoplastic Syndromes, Hereditary; Hereditary Cancer Syndrome; Hereditary neoplastic syndrome. Identifiers: Orphanet 140162, MedGen C0027672, MeSH D009386, MONDO:0015356.
Birt-Hogg-Dube syndrome. Also called: Birt Hogg Dubé syndrome. Identifiers: Orphanet 122, MedGen C0346010, MONDO:0800444.

Allele frequency attached by ClinVar (database versions not stated): TOPMed below 0.00001.

Submissions (2):

Labcorp Genetics (formerly Invitae), Labcorp
Classification: Uncertain significance for Birt-Hogg-Dube syndrome. Last evaluated: 2025-01-08. Review status: criteria provided, single submitter. Criteria: Invitae Variant Classification Sherloc (09022015). Collection method: clinical testing. Allele origin: germline.
Comment: This sequence change replaces alanine, which is neutral and non-polar, with valine, which is neutral and non-polar, at codon 290 of the FLCN protein (p.Ala290Val). This variant is not present in population databases (gnomAD no frequency). This variant has not been reported in the literature in individuals affected with FLCN-related conditions. ClinVar contains an entry for this variant (Variation ID: 2599455). An algorithm developed to predict the effect of missense changes on protein structure and function (PolyPhen-2) suggests that this variant is likely to be tolerated. In summary, the available evidence is currently insufficient to determine the role of this variant in disease. Therefore, it has been classified as a Variant of Uncertain Significance.

Ambry Genetics
Classification: Uncertain significance for Hereditary cancer-predisposing syndrome. Last evaluated: 2023-07-17. Review status: criteria provided, single submitter. Criteria: Ambry Variant Classification Scheme 2023. Collection method: clinical testing. Allele origin: germline.
Comment: The p.A290V variant (also known as c.869C>T), located in coding exon 5 of the FLCN gene, results from a C to T substitution at nucleotide position 869. The alanine at codon 290 is replaced by valine, an amino acid with similar properties. This amino acid position is conserved. In addition, the in silico prediction for this alteration is inconclusive. Since supporting evidence is limited at this time, the clinical significance of this alteration remains unclear.